The following is an entry in ClinVar:

NM_006231.4(POLE):c.5398G>T (p.Val1800Leu)

Gene: POLE (DNA polymerase epsilon, catalytic subunit; minus strand). Cytogenetic location: 12q24.33.
Variant type: single nucleotide variant.
Coding change: c.5398G>T on transcript NM_006231.4 (MANE Select); coding-DNA position 5398, G replaced by T.
Protein change: p.Val1800Leu; replaces valine 1800 with leucine.
Molecular consequence: missense variant.
Genome position (GRCh38, 1-based): chr12:132,639,279, C>A on the plus strand (G>T on the coding strand, the complement: POLE is on the minus strand). VCF-style: chr12-132639279-C-A. GRCh37 (hg19) VCF-style: chr12-133215865-C-A.
Other names: c.5398G>T (NM_006231.2); short protein forms V1800L.
Identifiers: ClinVar variation 1367064 (VCV001367064.4), dbSNP rs199777048, ClinGen allele CA387375074.

ClinVar aggregate classification (germline): Uncertain significance. Review status: criteria provided, multiple submitters, no conflicts (2 of 4 stars). 2 submissions from 2 submitters: Uncertain significance (2). Last evaluated 2026-04-13.

Conditions:
Hereditary cancer-predisposing syndrome. Also called: Neoplastic Syndromes, Hereditary; Tumor predisposition; Hereditary Cancer Syndrome; Hereditary neoplastic syndrome. Identifiers: Orphanet 140162, MedGen C0027672, MeSH D009386, MONDO:0015356.
Colorectal cancer, susceptibility to, 12 (CRCS12). Also called: COLORECTAL CANCER, SUSCEPTIBILITY TO, ON CHROMOSOME 12q24. Identifiers: Orphanet 220460, MedGen C3554460, MONDO:0014038, OMIM 615083.

gnomAD v4.1: 1 of 1,614,034 alleles (0.000062%); highest among the groups gnomAD compares: Non-Finnish European, 0.000085%; no homozygotes.

Submissions (2):

Ambry Genetics
Classification: Uncertain significance for Hereditary cancer-predisposing syndrome. Last evaluated: 2026-04-13. Review status: criteria provided, single submitter. Criteria: Ambry Variant Classification Scheme 2023. Collection method: clinical testing. Allele origin: germline.
Comment: The p.V1800L variant (also known as c.5398G>T), located in coding exon 40 of the POLE gene, results from a G to T substitution at nucleotide position 5398. The valine at codon 1800 is replaced by leucine, an amino acid with highly similar properties. This amino acid position is conserved. In addition, the in silico prediction for this alteration is inconclusive. Based on the available evidence, the clinical significance of this variant remains unclear.

Labcorp Genetics (formerly Invitae), Labcorp
Classification: Uncertain significance for Colorectal cancer, susceptibility to, 12. Last evaluated: 2021-09-25. Review status: criteria provided, single submitter. Criteria: Invitae Variant Classification Sherloc (09022015). Collection method: clinical testing. Allele origin: germline.
Comment: This sequence change replaces valine with leucine at codon 1800 of the POLE protein (p.Val1800Leu). The valine residue is moderately conserved and there is a small physicochemical difference between valine and leucine. This variant is not present in population databases (ExAC no frequency). This variant has not been reported in the literature in individuals affected with POLE-related conditions. Algorithms developed to predict the effect of missense changes on protein structure and function (SIFT, PolyPhen-2, Align-GVGD) all suggest that this variant is likely to be tolerated. In summary, the available evidence is currently insufficient to determine the role of this variant in disease. Therefore, it has been classified as a Variant of Uncertain Significance.